The following is an entry in ClinVar:

ClinVar aggregate classification (germline): Uncertain significance (1 of 4 stars; one submission).

Conditions:
Congenital myasthenic syndrome 4A. Also called: Myasthenic syndrome, congenital, 4a, slow-channel; MYASTHENIC SYNDROME, CONGENITAL, 4A, SLOW-CHANNEL, AUTOSOMAL RECESSIVE; CONGENITAL MYASTHENIC SYNDROME TYPE Ia1. Identifiers: Orphanet 590, MedGen C4225413, MONDO:0011600, OMIM 605809.

Submission:

Labcorp Genetics (formerly Invitae), Labcorp
Classification: Uncertain significance for Congenital myasthenic syndrome 4A. Last evaluated: 2024-09-03. Review status: criteria provided, single submitter. Criteria: Invitae Variant Classification Sherloc (09022015). Collection method: clinical testing. Allele origin: germline.
Comment: This sequence change replaces asparagine, which is neutral and polar, with tyrosine, which is neutral and polar, at codon 172 of the CHRNE protein (p.Asn172Tyr). This variant is not present in population databases (gnomAD no frequency). This variant has not been reported in the literature in individuals affected with CHRNE-related conditions. Invitae Evidence Modeling of protein sequence and biophysical properties (such as structural, functional, and spatial information, amino acid conservation, physicochemical variation, residue mobility, and thermodynamic stability) has been performed for this missense variant. However, the output from this modeling did not meet the statistical confidence thresholds required to predict the impact of this variant on CHRNE protein function. In summary, the available evidence is currently insufficient to determine the role of this variant in disease. Therefore, it has been classified as a Variant of Uncertain Significance.

NM_000080.4(CHRNE):c.514A>T (p.Asn172Tyr)

Genes: C17orf107 (chromosome 17 open reading frame 107; plus strand), CHRNE (cholinergic receptor nicotinic epsilon subunit; minus strand). Cytogenetic location: 17p13.2.
Variant type: single nucleotide variant.
Coding change: c.514A>T on transcript NM_000080.4 (MANE Select); coding-DNA position 514, A replaced by T.
Protein change: p.Asn172Tyr; replaces asparagine 172 with tyrosine.
Molecular consequence: missense variant. On other transcripts: 3 prime UTR variant (1).
Genome position (GRCh38, 1-based): chr17:4,901,612, T>A on the plus strand (A>T on the coding strand, the complement: CHRNE is on the minus strand). VCF-style: chr17-4901612-T-A. GRCh37 (hg19) VCF-style: chr17-4804907-T-A.
Other names: c.*1079T>A (NM_001145536.2); short protein forms N172Y.
Identifiers: ClinVar variation 3632008 (VCV003632008.2).